The following is an entry in ClinVar:

NM_006096.4(NDRG1):c.891+2T>C

Gene: NDRG1 (N-myc downstream regulated 1; minus strand). Cytogenetic location: 8q24.22.
Variant type: single nucleotide variant.
Coding change: c.891+2T>C on transcript NM_006096.4 (MANE Select); the canonical splice donor site of the intron after coding-DNA position 891, T replaced by C.
Molecular consequence: splice donor variant.
Genome position (GRCh38, 1-based): chr8:133,244,353, A>G on the plus strand (T>C on the coding strand, the complement: NDRG1 is on the minus strand). VCF-style: chr8-133244353-A-G. GRCh37 (hg19) VCF-style: chr8-134256596-A-G.
Other names: c.693+2T>C (NM_001258432.2, NM_001374847.1); c.648+2T>C (NM_001258433.2); c.942+2T>C (NM_001374844.1); c.891+2T>C (NM_001135242.2, NM_001374845.1, NM_001374846.1).
Identifiers: ClinVar variation 858999 (VCV000858999.9), dbSNP rs1586407193, ClinGen allele CA372254809.

ClinVar aggregate classification (germline): Likely pathogenic (1 of 4 stars; one submission).

Conditions:
Charcot-Marie-Tooth disease type 4. Also called: Charcot-Marie-Tooth disease, type IV; Charcot-Marie-Tooth, Type 4. Identifiers: Orphanet 64749, MedGen C4082197, MONDO:0018995.

Submission:

Labcorp Genetics (formerly Invitae), Labcorp
Classification: Likely pathogenic for Charcot-Marie-Tooth disease type 4. Last evaluated: 2019-12-31. Review status: criteria provided, single submitter. Criteria: Invitae Variant Classification Sherloc (09022015). Collection method: clinical testing. Allele origin: germline.
Comment: In summary, the currently available evidence indicates that the variant is pathogenic, but additional data are needed to prove that conclusively. Therefore, this variant has been classified as Likely Pathogenic. This sequence change affects a donor splice site in intron 14 of the NDRG1 gene. It is expected to disrupt RNA splicing and likely results in an absent or disrupted protein product. This variant is not present in population databases (ExAC no frequency). Algorithms developed to predict the effect of sequence changes on RNA splicing suggest that this variant may disrupt the consensus splice site, but this prediction has not been confirmed by published transcriptional studies. Donor and acceptor splice site variants typically lead to a loss of protein function (PMID: 16199547), and loss-of-function variants in NDRG1 are known to be pathogenic (PMID: 12872253, 23996628). This variant has not been reported in the literature in individuals with NDRG1-related conditions.

Literature cited by the submitters: PubMed 16199547; PubMed 12872253; PubMed 23996628.